The following is an entry in ClinVar:

NM_000257.4(MYH7):c.623A>C (p.Asp208Ala)

Gene: MYH7 (myosin heavy chain 7; minus strand). Cytogenetic location: 14q11.2.
Variant type: single nucleotide variant.
Coding change: c.623A>C on transcript NM_000257.4 (MANE Select); coding-DNA position 623, A replaced by C.
Protein change: p.Asp208Ala; replaces aspartic acid 208 with alanine.
Molecular consequence: missense variant.
Genome position (GRCh38, 1-based): chr14:23,431,777, T>G on the plus strand (A>C on the coding strand, the complement: MYH7 is on the minus strand). VCF-style: chr14-23431777-T-G. GRCh37 (hg19) VCF-style: chr14-23900986-T-G.
Other names: c.623A>C, p.Asp208Ala (NM_001407004.1); short protein forms D208A.
Identifiers: ClinVar variation 2107253 (VCV002107253.4), dbSNP rs1454914644, ClinGen allele CA389052400.

ClinVar aggregate classification (germline): Uncertain significance (1 of 4 stars; one submission).

Conditions:
Hypertrophic cardiomyopathy. Also called: HYPERTROPHIC MYOCARDIOPATHY. Identifiers: Orphanet 217569, MedGen C0007194, MeSH D002312, MONDO:0005045, HP:0001639.

Submission:

Labcorp Genetics (formerly Invitae), Labcorp
Classification: Uncertain significance for Hypertrophic cardiomyopathy. Last evaluated: 2022-03-06. Review status: criteria provided, single submitter. Criteria: Invitae Variant Classification Sherloc (09022015). Collection method: clinical testing. Allele origin: germline.
Comment: This variant is not present in population databases (gnomAD no frequency). This sequence change replaces aspartic acid, which is acidic and polar, with alanine, which is neutral and non-polar, at codon 208 of the MYH7 protein (p.Asp208Ala). This variant has not been reported in the literature in individuals affected with MYH7-related conditions. In summary, the available evidence is currently insufficient to determine the role of this variant in disease. Therefore, it has been classified as a Variant of Uncertain Significance. This variant is found within a region of MYH7 between codons 181 and 937 that contains the majority of the myosin head domain. Missense variants in this region have been shown to be significantly overrepresented in individuals with hypertrophic cardiomyopathy (PMID: 27532257). Algorithms developed to predict the effect of missense changes on protein structure and function are either unavailable or do not agree on the potential impact of this missense change (SIFT: "Tolerated"; PolyPhen-2: "Possibly Damaging"; Align-GVGD: "Class C0").

Literature cited by the submitters: PubMed 27532257.